The following is an entry in ClinVar:

NM_007055.4(POLR3A):c.2101G>T (p.Gly701Cys)

Gene: POLR3A (RNA polymerase III subunit A; minus strand). Cytogenetic location: 10q22.3.
Variant type: single nucleotide variant.
Coding change: c.2101G>T on transcript NM_007055.4 (MANE Select); coding-DNA position 2101, G replaced by T.
Protein change: p.Gly701Cys; replaces glycine 701 with cysteine.
Molecular consequence: missense variant.
Genome position (GRCh38, 1-based): chr10:78,004,862, C>A on the plus strand (G>T on the coding strand, the complement: POLR3A is on the minus strand). VCF-style: chr10-78004862-C-A. GRCh37 (hg19) VCF-style: chr10-79764620-C-A.
Other names: short protein forms G701C.
Identifiers: ClinVar variation 1389973 (VCV001389973.6), dbSNP rs142520086, ClinGen allele CA5571210.

ClinVar aggregate classification (germline): Uncertain significance (1 of 4 stars; one submission).

gnomAD v4.1: 5 of 1,613,942 alleles (0.00031%); highest among the groups gnomAD compares: South Asian, 0.0055%; no homozygotes.

Submission:

Labcorp Genetics (formerly Invitae), Labcorp
Classification: Uncertain significance. Last evaluated: 2022-06-15. Review status: criteria provided, single submitter. Criteria: Invitae Variant Classification Sherloc (09022015). Collection method: clinical testing. Allele origin: germline.
Comment: This sequence change replaces glycine, which is neutral and non-polar, with cysteine, which is neutral and slightly polar, at codon 701 of the POLR3A protein (p.Gly701Cys). This variant is present in population databases (rs142520086, gnomAD 0.006%). In summary, the available evidence is currently insufficient to determine the role of this variant in disease. Therefore, it has been classified as a Variant of Uncertain Significance. Algorithms developed to predict the effect of missense changes on protein structure and function are either unavailable or do not agree on the potential impact of this missense change (SIFT: "Deleterious"; PolyPhen-2: "Probably Damaging"; Align-GVGD: "Class C0"). This variant has not been reported in the literature in individuals affected with POLR3A-related conditions.